The following is an entry in ClinVar:

ClinVar aggregate classification (germline): Uncertain significance (1 of 4 stars; one submission).

Conditions:
Charcot-Marie-Tooth disease type 2R. Also called: CHARCOT-MARIE-TOOTH DISEASE, AXONAL, AUTOSOMAL RECESSIVE, TYPE 2R; Charcot-Marie-Tooth disease, axonal, type 2R; CHARCOT-MARIE-TOOTH NEUROPATHY, TYPE 2R. Identifiers: Orphanet 397968, MedGen C3809655, MONDO:0014208, OMIM 615490.

Allele frequency attached by ClinVar (database versions not stated): gnomAD exomes below 0.00001.
gnomAD v4.1: 6 of 1,614,162 alleles (0.00037%); highest among the groups gnomAD compares: Non-Finnish European, 0.00051%; no homozygotes.

Submission:

Labcorp Genetics (formerly Invitae), Labcorp
Classification: Uncertain significance for Charcot-Marie-Tooth disease type 2R. Last evaluated: 2022-10-07. Review status: criteria provided, single submitter. Criteria: Invitae Variant Classification Sherloc (09022015). Collection method: clinical testing. Allele origin: germline.
Comment: In summary, the available evidence is currently insufficient to determine the role of this variant in disease. Therefore, it has been classified as a Variant of Uncertain Significance. Algorithms developed to predict the effect of missense changes on protein structure and function are either unavailable or do not agree on the potential impact of this missense change (SIFT: "Deleterious"; PolyPhen-2: "Possibly Damaging"; Align-GVGD: "Class C0"). This variant has not been reported in the literature in individuals affected with TRIM2-related conditions. This variant is not present in population databases (gnomAD no frequency). This sequence change replaces arginine, which is basic and polar, with glutamine, which is neutral and polar, at codon 615 of the TRIM2 protein (p.Arg615Gln).

NM_015271.5(TRIM2):c.1925G>A (p.Arg642Gln)

Gene: TRIM2 (tripartite motif containing 2; plus strand). Cytogenetic location: 4q31.3.
Variant type: single nucleotide variant.
Coding change: c.1925G>A on transcript NM_015271.5 (MANE Select); coding-DNA position 1925, G replaced by A.
Protein change: p.Arg642Gln; replaces arginine 642 with glutamine.
Molecular consequence: missense variant.
Genome position (GRCh38, 1-based): chr4:153,322,790, G>A. VCF-style: chr4-153322790-G-A. GRCh37 (hg19) VCF-style: chr4-154243942-G-A.
Other names: c.1844G>A, p.Arg615Gln (NM_001130067.2, NM_001351056.2, NM_001375512.1 and 5 more transcripts); c.1898G>A, p.Arg633Gln (NM_001351054.2); c.1895G>A, p.Arg632Gln (NM_001351055.2); c.1469G>A, p.Arg490Gln (NM_001351057.2); c.2018G>A, p.Arg673Gln (NM_001375488.1); c.2015G>A, p.Arg672Gln (NM_001375489.1); c.1868G>A, p.Arg623Gln (NM_001375490.1); c.1865G>A, p.Arg622Gln (NM_001375491.1); and 3 more; short protein forms R633Q, R672Q, R673Q, R490Q, R529Q, R615Q, R622Q, R530Q.
Identifiers: ClinVar variation 1994278 (VCV001994278.4), dbSNP rs2546663458, ClinGen allele CA358469580.